The following is an entry in ClinVar:

NM_032153.6(ZIC4):c.-15-1225G>A

Gene: ZIC4 (Zic family zinc finger 4; minus strand). Cytogenetic location: 3q24.
Variant type: single nucleotide variant.
Coding change: c.-15-1225G>A on transcript NM_032153.6 (MANE Select); 1225 bases into the intron before 15 bases upstream of the start codon, G replaced by A.
Molecular consequence: intron variant. On other transcripts: missense variant (1).
Genome position (GRCh38, 1-based): chr3:147,404,037, C>T on the plus strand (G>A on the coding strand, the complement: ZIC4 is on the minus strand). VCF-style: chr3-147404037-C-T. GRCh37 (hg19) VCF-style: chr3-147121824-C-T.
Other names: c.62G>A, p.Arg21Lys (NM_001168378.1); c.-15-1225G>A (NM_001243256.2); c.100-1225G>A (NM_001168379.2); short protein forms R21K.
Identifiers: ClinVar variation 2419216 (VCV002419216.7), dbSNP rs192082336, ClinGen allele CA2656961.

ClinVar aggregate classification (germline): Uncertain significance. Review status: criteria provided, multiple submitters, no conflicts (2 of 4 stars). 2 submissions from 2 submitters: Uncertain significance (2). Last evaluated 2024-10-05.

Allele frequency attached by ClinVar (database versions not stated): ExAC 0.00006; gnomAD 0.00010; TOPMed 0.00012.
gnomAD v4.1: 280 of 1,537,074 alleles (0.018%); highest among the groups gnomAD compares: Non-Finnish European, 0.023%; no homozygotes.

Submissions (2):

Labcorp Genetics (formerly Invitae), Labcorp
Classification: Uncertain significance. Last evaluated: 2024-10-05. Review status: criteria provided, single submitter. Criteria: Invitae Variant Classification Sherloc (09022015). Collection method: clinical testing. Allele origin: germline.
Comment: This sequence change replaces arginine, which is basic and polar, with lysine, which is basic and polar, at codon 21 of the ZIC4 protein (p.Arg21Lys). This variant is present in population databases (rs192082336, gnomAD 0.02%). This variant has not been reported in the literature in individuals affected with ZIC4-related conditions. ClinVar contains an entry for this variant (Variation ID: 2419216). An algorithm developed to predict the effect of missense changes on protein structure and function (PolyPhen-2) suggests that this variant is likely to be tolerated. In summary, the available evidence is currently insufficient to determine the role of this variant in disease. Therefore, it has been classified as a Variant of Uncertain Significance.

Ambry Genetics
Classification: Uncertain significance. Last evaluated: 2024-04-04. Review status: criteria provided, single submitter. Criteria: Ambry Variant Classification Scheme 2023. Collection method: clinical testing. Allele origin: germline.